The following is an entry in ClinVar:

ClinVar aggregate classification (germline): Uncertain significance (1 of 4 stars; one submission).

Conditions:
Congenital myasthenic syndrome 8. Also called: MYASTHENIC SYNDROME, CONGENITAL, DUE TO AGRIN DEFICIENCY; Myasthenic syndrome, congenital, 8, with pre- and postsynaptic defects. Identifiers: Orphanet 590, MedGen C3808739, MONDO:0014052, OMIM 615120.

Allele frequency attached by ClinVar (database versions not stated): gnomAD exomes below 0.00001.
gnomAD v4.1: 1 of 1,611,272 alleles (0.000062%); highest among the groups gnomAD compares: Non-Finnish European, 0.000085%; no homozygotes.

Submission:

Labcorp Genetics (formerly Invitae), Labcorp
Classification: Uncertain significance for Congenital myasthenic syndrome 8. Last evaluated: 2022-05-15. Review status: criteria provided, single submitter. Criteria: Invitae Variant Classification Sherloc (09022015). Collection method: clinical testing. Allele origin: germline.
Comment: In summary, the available evidence is currently insufficient to determine the role of this variant in disease. Therefore, it has been classified as a Variant of Uncertain Significance. Algorithms developed to predict the effect of missense changes on protein structure and function are either unavailable or do not agree on the potential impact of this missense change (SIFT: "Tolerated"; PolyPhen-2: "Possibly Damaging"; Align-GVGD: "Class C0"). This variant has not been reported in the literature in individuals affected with AGRN-related conditions. This variant is not present in population databases (gnomAD no frequency). This sequence change replaces aspartic acid, which is acidic and polar, with asparagine, which is neutral and polar, at codon 359 of the AGRN protein (p.Asp359Asn).

NM_198576.4(AGRN):c.1075G>A (p.Asp359Asn)

Gene: AGRN (agrin; plus strand). Cytogenetic location: 1p36.33.
Variant type: single nucleotide variant.
Coding change: c.1075G>A on transcript NM_198576.4 (MANE Select); coding-DNA position 1075, G replaced by A.
Protein change: p.Asp359Asn; replaces aspartic acid 359 with asparagine.
Molecular consequence: missense variant.
Genome position (GRCh38, 1-based): chr1:1,041,600, G>A. VCF-style: chr1-1041600-G-A. GRCh37 (hg19) VCF-style: chr1-976980-G-A.
Other names: c.1075G>A, p.Asp359Asn (NM_001305275.2); c.760G>A, p.Asp254Asn (NM_001364727.2); short protein forms D359N, D254N.
Identifiers: ClinVar variation 1907579 (VCV001907579.5), dbSNP rs2522666256, ClinGen allele CA337826963.